The following is an entry in ClinVar:

NM_016507.4(CDK12):c.731A>C (p.Gln244Pro)

Genes: CDK12 (cyclin dependent kinase 12; plus strand), LOC126862553 (CDK7 strongly-dependent group 2 enhancer GRCh37_chr17:37618166-37619365; plus strand). Cytogenetic location: 17q12.
Variant type: single nucleotide variant.
Coding change: c.731A>C on transcript NM_016507.4 (MANE Select); coding-DNA position 731, A replaced by C.
Protein change: p.Gln244Pro; replaces glutamine 244 with proline.
Molecular consequence: missense variant.
Genome position (GRCh38, 1-based): chr17:39,462,802, A>C. VCF-style: chr17-39462802-A-C. GRCh37 (hg19) VCF-style: chr17-37619055-A-C.
Other names: c.731A>C, p.Gln244Pro (NM_015083.4); short protein forms Q244P.
Identifiers: ClinVar variation 3265425 (VCV003265425.2).

ClinVar aggregate classification (germline): Uncertain significance (1 of 4 stars; one submission).

Submission:

Ambry Genetics
Classification: Uncertain significance. Last evaluated: 2025-03-07. Review status: criteria provided, single submitter. Criteria: Ambry Variant Classification Scheme 2023. Collection method: clinical testing. Allele origin: germline.
Comment: The p.Q244P variant (also known as c.731A>C), located in coding exon 1 of the CDK12 gene, results from an A to C substitution at nucleotide position 731. The glutamine at codon 244 is replaced by proline, an amino acid with similar properties. This amino acid position is conserved. In addition, this alteration is predicted to be tolerated by in silico analysis. Based on the available evidence, the clinical significance of this variant remains unclear.